The following is an entry in ClinVar:

ClinVar aggregate classification (germline): Uncertain significance (1 of 4 stars; one submission).

Conditions:
Bloom syndrome (BLM). Also called: Bloom-Torre-Machacek syndrome. Identifiers: Orphanet 125, MedGen C0005859, MONDO:0008876, OMIM 210900.

Submission:

Labcorp Genetics (formerly Invitae), Labcorp
Classification: Uncertain significance for Bloom syndrome. Last evaluated: 2024-12-06. Review status: criteria provided, single submitter. Criteria: Invitae Variant Classification Sherloc (09022015). Collection method: clinical testing. Allele origin: germline.
Comment: This sequence change replaces phenylalanine, which is neutral and non-polar, with cysteine, which is neutral and slightly polar, at codon 792 of the BLM protein (p.Phe792Cys). This variant is not present in population databases (gnomAD no frequency). This variant has not been reported in the literature in individuals affected with BLM-related conditions. ClinVar contains an entry for this variant (Variation ID: 2111373). Invitae Evidence Modeling of protein sequence and biophysical properties (such as structural, functional, and spatial information, amino acid conservation, physicochemical variation, residue mobility, and thermodynamic stability) indicates that this missense variant is expected to disrupt BLM protein function with a positive predictive value of 80%. In summary, the available evidence is currently insufficient to determine the role of this variant in disease. Therefore, it has been classified as a Variant of Uncertain Significance.

NM_000057.4(BLM):c.2375T>G (p.Phe792Cys)

Gene: BLM (BLM RecQ like helicase; plus strand). Cytogenetic location: 15q26.1.
Variant type: single nucleotide variant.
Coding change: c.2375T>G on transcript NM_000057.4 (MANE Select); coding-DNA position 2375, T replaced by G.
Protein change: p.Phe792Cys; replaces phenylalanine 792 with cysteine.
Molecular consequence: missense variant.
Genome position (GRCh38, 1-based): chr15:90,769,200, T>G. VCF-style: chr15-90769200-T-G. GRCh37 (hg19) VCF-style: chr15-91312430-T-G.
Other names: c.2375T>G, p.Phe792Cys (NM_001287246.2, NM_001287247.2); c.1250T>G, p.Phe417Cys (NM_001287248.2); short protein forms F417C, F792C.
Identifiers: ClinVar variation 2111373 (VCV002111373.4), dbSNP rs1567045193, ClinGen allele CA393845162.
Genomic context (GRCh38, chr15:90,769,200, plus strand): 5'-CAAGTAACAGACTCATTTCTACTCTGGAGAATCTCTATGAGAGGAAGCTCTTGGCACGTT[T>G]TGTTATTGATGAAGCACATTGTGTCAGTCAGGTAAATACTGTTTTTTATATCCGGAAATA-3'
Protein context (NP_000048.1, residues 782-802): NLYERKLLAR[Phe792Cys]VIDEAHCVSQ